The following is an entry in ClinVar:

NM_001465.6(FYB1):c.1147G>C (p.Gly383Arg)

Gene: FYB1 (FYN binding protein 1; minus strand). Cytogenetic location: 5p13.1.
Variant type: single nucleotide variant.
Coding change: c.1147G>C on transcript NM_001465.6 (MANE Select); coding-DNA position 1147, G replaced by C.
Protein change: p.Gly383Arg; replaces glycine 383 with arginine.
Molecular consequence: missense variant.
Genome position (GRCh38, 1-based): chr5:39,153,593, C>G on the plus strand (G>C on the coding strand, the complement: FYB1 is on the minus strand). VCF-style: chr5-39153593-C-G. GRCh37 (hg19) VCF-style: chr5-39153695-C-G.
Other names: p.Gly383Arg; c.1177G>C, p.Gly393Arg (NM_001243093.2, NM_018594.2); c.1147G>C, p.Gly383Arg (NM_001349333.2, NM_199335.5); short protein forms G393R, G383R.
Identifiers: ClinVar variation 4027396 (VCV004027396.2).
Genomic context (GRCh38, chr5:39,153,593, plus strand): 5'-GGCTGGCCGGATGGGATGGTGGAGGTGGTGGCAGGGAAGTTGTTGAGTAAGACGTCTGGC[C>G]TTTGCTAGTACCTAAGAAGCAAAGCAAACAATACCATGAATTAAGACAAATCTTCAAAAA-3'
Protein context (NP_001456.3, residues 373-393): KTSSGNSTSK[Gly383Arg]QTSYSTTSLP

ClinVar aggregate classification (germline): Uncertain significance. Review status: criteria provided, multiple submitters, no conflicts (2 of 4 stars). 2 submissions from 2 submitters: Uncertain significance (2). Last evaluated 2025-04-11.

gnomAD v4.1: 115 of 1,612,350 alleles (0.0071%); highest among the groups gnomAD compares: African/African-American, 0.13%; no homozygotes.

Submissions (2):

Ambry Genetics
Classification: Uncertain significance. Last evaluated: 2025-04-11. Review status: criteria provided, single submitter. Criteria: Ambry Variant Classification Scheme 2023. Collection method: clinical testing. Allele origin: germline.

Mayo Clinic Laboratories, Mayo Clinic
Classification: Uncertain significance. Last evaluated: 2024-11-14. Review status: criteria provided, single submitter. Criteria: ACMG Guidelines, 2015. Collection method: clinical testing. Allele origin: germline. Observed: 1 variant allele.
Comment: BP4, PM1_supporting